The following is an entry in ClinVar:

NM_004415.4(DSP):c.1478G>A (p.Trp493Ter)

Gene: DSP (desmoplakin; plus strand). Cytogenetic location: 6p24.3.
Variant type: single nucleotide variant.
Coding change: c.1478G>A on transcript NM_004415.4 (MANE Select); coding-DNA position 1478, G replaced by A.
Protein change: p.Trp493Ter; replaces tryptophan 493 with a stop codon.
Molecular consequence: nonsense.
Genome position (GRCh38, 1-based): chr6:7,569,244, G>A. VCF-style: chr6-7569244-G-A. GRCh37 (hg19) VCF-style: chr6-7569477-G-A.
Other names: c.1478G>A, p.Trp493Ter (NM_001008844.3, NM_001319034.2); short protein forms W493*.
Identifiers: ClinVar variation 3748546 (VCV003748546.2).

ClinVar aggregate classification (germline): Pathogenic (1 of 4 stars; one submission).

Conditions:
Arrhythmogenic cardiomyopathy with wooly hair and keratoderma. Also called: PALMOPLANTAR KERATODERMA WITH LEFT VENTRICULAR CARDIOMYOPATHY AND WOOLLY HAIR; Dilated cardiomyopathy with woolly hair and keratoderma; Carvajal syndrome; Arrhythmogenic cardiomyopathy with woolly hair and keratoderma. Identifiers: Orphanet 65282, MedGen C1854063, MONDO:0011581, OMIM 605676.
Arrhythmogenic right ventricular dysplasia 8 (ARVD8). Also called: Arrhythmogenic Right Ventricular Dysplasia/Cardiomyopathy 8; ARRHYTHMOGENIC RIGHT VENTRICULAR DYSPLASIA, FAMILIAL, 8; ARRHYTHMOGENIC RIGHT VENTRICULAR CARDIOMYOPATHY 8. Identifiers: MedGen C1843896, MONDO:0011831, OMIM 607450.

Submission:

Labcorp Genetics (formerly Invitae), Labcorp
Classification: Pathogenic for Arrhythmogenic cardiomyopathy with wooly hair and keratoderma; Arrhythmogenic right ventricular dysplasia 8. Last evaluated: 2024-04-10. Review status: criteria provided, single submitter. Criteria: Invitae Variant Classification Sherloc (09022015). Collection method: clinical testing. Allele origin: germline.
Comment: This sequence change creates a premature translational stop signal (p.Trp493*) in the DSP gene. It is expected to result in an absent or disrupted protein product. Loss-of-function variants in DSP are known to be pathogenic (PMID: 20716751, 24503780, 25227139). This variant is not present in population databases (gnomAD no frequency). This variant has not been reported in the literature in individuals affected with DSP-related conditions. For these reasons, this variant has been classified as Pathogenic.

Literature cited by the submitters: PubMed 20716751; PubMed 24503780; PubMed 25227139.